The following is an entry in ClinVar:

NM_003673.4(TCAP):c.37G>A (p.Glu13Lys)

Gene: TCAP (titin-cap; plus strand). Cytogenetic location: 17q12.
Variant type: single nucleotide variant.
Coding change: c.37G>A on transcript NM_003673.4 (MANE Select); coding-DNA position 37, G replaced by A.
Protein change: p.Glu13Lys; replaces glutamic acid 13 with lysine.
Molecular consequence: missense variant.
Genome position (GRCh38, 1-based): chr17:39,665,396, G>A. VCF-style: chr17-39665396-G-A. GRCh37 (hg19) VCF-style: chr17-37821649-G-A.
Other names: c.37G>A (NM_003673.3); short protein forms E13K.
Identifiers: ClinVar variation 1500330 (VCV001500330.10), dbSNP rs1042724474, ClinGen allele CA290433695.

ClinVar aggregate classification (germline): Uncertain significance. Review status: criteria provided, multiple submitters, no conflicts (2 of 4 stars). 3 submissions from 3 submitters: Uncertain significance (3). Last evaluated 2025-12-21.

Conditions:
Autosomal recessive limb-girdle muscular dystrophy type 2G (LGMDR7). Also called: MUSCULAR DYSTROPHY, LIMB-GIRDLE, AUTOSOMAL RECESSIVE 7; Telethoninopathy; Limb-girdle muscular dystrophy, type 2G. Identifiers: Orphanet 34514, MedGen C1866008, MONDO:0011170, OMIM 601954.
Hypertrophic cardiomyopathy 25 (CMH25). Also called: CARDIOMYOPATHY, FAMILIAL HYPERTROPHIC, 25. Identifiers: MedGen C4225408, MONDO:0011843, OMIM 607487.
Cardiovascular phenotype. Identifiers: MedGen CN230736.
Primary familial hypertrophic cardiomyopathy (HCM). Identifiers: Orphanet 99739, MedGen C0949658, MeSH D024741, MONDO:0024573. Inheritance: Various modes of inheritance.

Allele frequency attached by ClinVar (database versions not stated): gnomAD exomes below 0.00001; gnomAD 0.00001; TOPMed 0.00002.

Submissions (3):

Ambry Genetics
Classification: Uncertain significance for Cardiovascular phenotype. Last evaluated: 2025-12-21. Review status: criteria provided, single submitter. Criteria: Ambry Variant Classification Scheme 2023. Collection method: clinical testing. Allele origin: germline.
Comment: The p.E13K variant (also known as c.37G>A), located in coding exon 1 of the TCAP gene, results from a G to A substitution at nucleotide position 37. The glutamic acid at codon 13 is replaced by lysine, an amino acid with similar properties. This amino acid position is conserved. In addition, the in silico prediction for this alteration is inconclusive. Based on the available evidence, the clinical significance of this variant remains unclear.

Labcorp Genetics (formerly Invitae), Labcorp
Classification: Uncertain significance for Hypertrophic cardiomyopathy 25; Primary familial hypertrophic cardiomyopathy. Last evaluated: 2025-11-27. Review status: criteria provided, single submitter. Criteria: Invitae Variant Classification Sherloc (09022015). Collection method: clinical testing. Allele origin: germline.
Comment: This sequence change replaces glutamic acid, which is acidic and polar, with lysine, which is basic and polar, at codon 13 of the TCAP protein (p.Glu13Lys). This variant is present in population databases (no rsID available, gnomAD 0.007%). This variant has not been reported in the literature in individuals affected with TCAP-related conditions. ClinVar contains an entry for this variant (Variation ID: 1500330). An algorithm developed to predict the effect of missense changes on protein structure and function (PolyPhen-2) suggests that this variant is likely to be tolerated. In summary, the available evidence is currently insufficient to determine the role of this variant in disease. Therefore, it has been classified as a Variant of Uncertain Significance.

Fulgent Genetics
Classification: Uncertain significance for Autosomal recessive limb-girdle muscular dystrophy type 2G; Hypertrophic cardiomyopathy 25. Last evaluated: 2021-08-04. Review status: criteria provided, single submitter. Criteria: ACMG Guidelines, 2015. Collection method: clinical testing. Allele origin: unknown.